The following is an entry in ClinVar:

ClinVar aggregate classification (germline): Uncertain significance (1 of 4 stars; one submission).

gnomAD v4.1: 1 of 1,613,730 alleles (0.000062%); highest among the groups gnomAD compares: Admixed American, 0.0017%; no homozygotes.

Submission:

Labcorp Genetics (formerly Invitae), Labcorp
Classification: Uncertain significance. Last evaluated: 2025-09-23. Review status: criteria provided, single submitter. Criteria: Invitae Variant Classification Sherloc (09022015). Collection method: clinical testing. Allele origin: germline.
Comment: This sequence change replaces aspartic acid, which is acidic and polar, with glutamic acid, which is acidic and polar, at codon 447 of the IKZF1 protein (p.Asp447Glu). This variant is not present in population databases (gnomAD no frequency). This variant has not been reported in the literature in individuals affected with IKZF1-related conditions. An algorithm developed to predict the effect of missense changes on protein structure and function outputs the following: PolyPhen-2: "Benign". The glutamic acid amino acid residue is found in multiple mammalian species, which suggests that this missense change does not adversely affect protein function. In summary, the available evidence is currently insufficient to determine the role of this variant in disease. Therefore, it has been classified as a Variant of Uncertain Significance.

NM_006060.6(IKZF1):c.1341C>A (p.Asp447Glu)

Gene: IKZF1 (IKAROS family zinc finger 1; plus strand). Cytogenetic location: 7p12.2.
Variant type: single nucleotide variant.
Coding change: c.1341C>A on transcript NM_006060.6 (MANE Select); coding-DNA position 1341, C replaced by A.
Protein change: p.Asp447Glu; replaces aspartic acid 447 with glutamic acid.
Molecular consequence: missense variant.
Genome position (GRCh38, 1-based): chr7:50,400,408, C>A. VCF-style: chr7-50400408-C-A. GRCh37 (hg19) VCF-style: chr7-50468106-C-A.
Other names: c.1215C>A, p.Asp405Glu (NM_001220765.3, NM_001291837.2); c.1050C>A, p.Asp350Glu (NM_001220767.2); c.1080C>A, p.Asp360Glu (NM_001220768.2, NM_001291838.2); c.924C>A, p.Asp308Glu (NM_001220770.2); c.912C>A, p.Asp304Glu (NM_001220771.2, NM_001291841.1); c.954C>A, p.Asp318Glu (NM_001291839.2); c.651C>A, p.Asp217Glu (NM_001291840.1); c.882C>A, p.Asp294Glu (NM_001291842.1); and 3 more; short protein forms D217E, D318E, D350E, D405E, D252E, D308E, D262E, D360E.
Identifiers: ClinVar variation 4712986 (VCV004712986.1).